The following is an entry in ClinVar:

ClinVar aggregate classification (germline): Uncertain significance (1 of 4 stars; one submission).

Conditions:
Hereditary sensory and autonomic neuropathy type 7. Also called: HSAN VII; Neuropathy, hereditary sensory and autonomic, type VII. Identifiers: Orphanet 391397, MedGen C3809882, MONDO:0014244, OMIM 615548.
Familial episodic pain syndrome with predominantly lower limb involvement. Also called: Episodic pain syndrome, familial, 3. Identifiers: Orphanet 391384, Orphanet 391392, MedGen C3809899, MONDO:0014247, OMIM 615552.

gnomAD v4.1: 7 of 1,614,104 alleles (0.00043%); highest among the groups gnomAD compares: Middle Eastern, 0.016%; no homozygotes.

Submission:

Labcorp Genetics (formerly Invitae), Labcorp
Classification: Uncertain significance for Familial episodic pain syndrome with predominantly lower limb involvement; Hereditary sensory and autonomic neuropathy type 7. Last evaluated: 2024-05-21. Review status: criteria provided, single submitter. Criteria: Invitae Variant Classification Sherloc (09022015). Collection method: clinical testing. Allele origin: germline.
Comment: This sequence change replaces isoleucine, which is neutral and non-polar, with leucine, which is neutral and non-polar, at codon 647 of the SCN11A protein (p.Ile647Leu). This variant is present in population databases (rs755871237, gnomAD 0.0009%). This variant has not been reported in the literature in individuals affected with SCN11A-related conditions. Advanced modeling of protein sequence and biophysical properties (such as structural, functional, and spatial information, amino acid conservation, physicochemical variation, residue mobility, and thermodynamic stability) performed at Invitae indicates that this missense variant is not expected to disrupt SCN11A protein function with a negative predictive value of 80%. In summary, the available evidence is currently insufficient to determine the role of this variant in disease. Therefore, it has been classified as a Variant of Uncertain Significance.

NM_001349253.2(SCN11A):c.1939A>C (p.Ile647Leu)

Gene: SCN11A (sodium voltage-gated channel alpha subunit 11; minus strand). Cytogenetic location: 3p22.2.
Variant type: single nucleotide variant.
Coding change: c.1939A>C on transcript NM_001349253.2 (MANE Select); coding-DNA position 1939, A replaced by C.
Protein change: p.Ile647Leu; replaces isoleucine 647 with leucine.
Molecular consequence: missense variant.
Genome position (GRCh38, 1-based): chr3:38,899,977, T>G on the plus strand (A>C on the coding strand, the complement: SCN11A is on the minus strand). VCF-style: chr3-38899977-T-G. GRCh37 (hg19) VCF-style: chr3-38941468-T-G.
Other names: c.1939A>C, p.Ile647Leu (NM_014139.3); short protein forms I647L.
Identifiers: ClinVar variation 3762557 (VCV003762557.2).